The following is an entry in ClinVar:

NM_021813.4(BACH2):c.2418G>C (p.Glu806Asp)

Gene: BACH2 (BACH transcriptional regulator 2; minus strand). Cytogenetic location: 6q15.
Variant type: single nucleotide variant.
Coding change: c.2418G>C on transcript NM_021813.4 (MANE Select); coding-DNA position 2418, G replaced by C.
Protein change: p.Glu806Asp; replaces glutamic acid 806 with aspartic acid.
Molecular consequence: missense variant.
Genome position (GRCh38, 1-based): chr6:89,932,516, C>G on the plus strand (G>C on the coding strand, the complement: BACH2 is on the minus strand). VCF-style: chr6-89932516-C-G. GRCh37 (hg19) VCF-style: chr6-90642235-C-G.
Other names: c.2418G>C, p.Glu806Asp (NM_001170794.2); c.2418G>C (NM_021813.3); short protein forms E806D.
Identifiers: ClinVar variation 1662867 (VCV001662867.13), dbSNP rs141976854, ClinGen allele CA3927786.

ClinVar aggregate classification (germline): Likely benign. Review status: criteria provided, multiple submitters, no conflicts (2 of 4 stars). 6 submissions from 6 submitters: Likely benign (6). Last evaluated 2026-01-26.

Conditions:
Immunodeficiency 60. Also called: IMMUNODEFICIENCY AND AUTOIMMUNITY, BACH2-RELATED; IMMUNODEFICIENCY 60 AND AUTOIMMUNITY. Identifiers: MedGen C5193072, MONDO:0032723, OMIM 618394.
BACH2-related disorder. Also called: BACH2-related condition.

Allele frequency attached by ClinVar (database versions not stated): gnomAD exomes 0.00009 and 0.00023; ExAC 0.00032; ESP Exome Variant Server 0.00077; 1000 Genomes Project 30x 0.00094; 1000 Genomes Project 0.00100; gnomAD 0.00106 and 0.00116.
gnomAD v4.1: 297 of 1,614,094 alleles (0.018%); highest among the groups gnomAD compares: African/African-American, 0.34%; no homozygotes.

Submissions (6):

Labcorp Genetics (formerly Invitae), Labcorp
Classification: Likely benign. Last evaluated: 2026-01-26. Review status: criteria provided, single submitter. Criteria: Invitae Variant Classification Sherloc (09022015). Collection method: clinical testing. Allele origin: germline.

PreventionGenetics, part of Exact Sciences
Classification: Likely benign for BACH2-related condition. Last evaluated: 2025-02-17. Review status: criteria provided, single submitter. Criteria: ACMG Guidelines, 2015. Collection method: clinical testing. Allele origin: germline.
Comment: This variant is classified as likely benign based on ACMG/AMP sequence variant interpretation guidelines (Richards et al. 2015 PMID: 25741868, with internal and published modifications).

Blueprint Genetics
Classification: Likely benign. Last evaluated: 2024-11-26. Review status: criteria provided, single submitter. Criteria: ACMG Guidelines, 2015. Collection method: clinical testing. Allele origin: germline.

Fulgent Genetics
Classification: Likely benign for Immunodeficiency 60. Last evaluated: 2021-12-23. Review status: criteria provided, single submitter. Criteria: ACMG Guidelines, 2015. Collection method: clinical testing. Allele origin: unknown.

Department of Pathology and Laboratory Medicine, Sinai Health System
Classification: Likely benign for immunodeficiency 60. Last evaluated: 2021-11-17. Review status: criteria provided, single submitter. Criteria: ACMG Guidelines, 2015. Collection method: research. Allele origin: germline.

Breakthrough Genomics
Classification: Likely benign. Review status: criteria provided, single submitter. Criteria: ACMG Guidelines, 2015. Collection method: not provided. Allele origin: germline. Inheritance: Autosomal dominant inheritance. Affected: yes.